The following is an entry in ClinVar:

ClinVar aggregate classification (germline): Uncertain significance. Review status: criteria provided, multiple submitters, no conflicts (2 of 4 stars). 2 submissions from 2 submitters: Uncertain significance (2). Last evaluated 2025-06-24.

Allele frequency attached by ClinVar (database versions not stated): TOPMed below 0.00001; ExAC 0.00001; gnomAD exomes 0.00001.
gnomAD v4.1: 12 of 1,614,024 alleles (0.00074%); highest among the groups gnomAD compares: Admixed American, 0.0033%; no homozygotes.

Submissions (2):

Ambry Genetics
Classification: Uncertain significance. Last evaluated: 2025-06-24. Review status: criteria provided, single submitter. Criteria: Ambry Variant Classification Scheme 2023. Collection method: clinical testing. Allele origin: germline.

Labcorp Genetics (formerly Invitae), Labcorp
Classification: Uncertain significance. Last evaluated: 2022-08-17. Review status: criteria provided, single submitter. Criteria: Invitae Variant Classification Sherloc (09022015). Collection method: clinical testing. Allele origin: germline.
Comment: This sequence change replaces proline, which is neutral and non-polar, with leucine, which is neutral and non-polar, at codon 287 of the BCAT2 protein (p.Pro287Leu). This variant is present in population databases (rs755519492, gnomAD 0.006%). This variant has not been reported in the literature in individuals affected with BCAT2-related conditions. Algorithms developed to predict the effect of missense changes on protein structure and function are either unavailable or do not agree on the potential impact of this missense change (SIFT: "Deleterious"; PolyPhen-2: "Probably Damaging"; Align-GVGD: "Class C0"). In summary, the available evidence is currently insufficient to determine the role of this variant in disease. Therefore, it has been classified as a Variant of Uncertain Significance.

NM_001190.4(BCAT2):c.860C>T (p.Pro287Leu)

Gene: BCAT2 (branched chain amino acid transaminase 2; minus strand). Cytogenetic location: 19q13.33.
Variant type: single nucleotide variant.
Coding change: c.860C>T on transcript NM_001190.4 (MANE Select); coding-DNA position 860, C replaced by T.
Protein change: p.Pro287Leu; replaces proline 287 with leucine.
Molecular consequence: missense variant.
Genome position (GRCh38, 1-based): chr19:48,797,001, G>A on the plus strand (C>T on the coding strand, the complement: BCAT2 is on the minus strand). VCF-style: chr19-48797001-G-A. GRCh37 (hg19) VCF-style: chr19-49300258-G-A.
Other names: c.584C>T, p.Pro195Leu (NM_001164773.2); c.740C>T, p.Pro247Leu (NM_001284325.2); c.860C>T (NM_001190.3); short protein forms P195L, P247L, P287L.
Identifiers: ClinVar variation 1930895 (VCV001930895.3), dbSNP rs755519492, ClinGen allele CA9558280.
Genomic context (GRCh38, chr19:48,797,001, plus strand): 5'-GTCTGAGCCATGTCCAGTAGACTCTGTCTGACCACTCCAGGCAGGATAACACCATTCAGC[G>A]GGGGCGTCACCAGCTCCAGCACTAGGGCAGGTGTAAGGGGTGGAAGATGTTACCTCTCAC-3'
Protein context (NP_001181.2, residues 277-297): EDGVLELVTP[Pro287Leu]LNGVILPGVV